The following is an entry in ClinVar:

ClinVar aggregate classification (germline): Uncertain significance (1 of 4 stars; one submission).

Conditions:
Cardiovascular phenotype. Identifiers: MedGen CN230736.

gnomAD v4.1: 1 of 1,613,930 alleles (0.000062%); no homozygotes.

Submission:

Ambry Genetics
Classification: Uncertain significance for Cardiovascular phenotype. Last evaluated: 2026-09-11. Review status: criteria provided, single submitter. Criteria: Ambry Variant Classification Scheme 2023. Collection method: clinical testing. Allele origin: germline.
Comment: The p.V1192I variant (also known as c.3574G>A), located in coding exon 32 of the MYBPC3 gene, results from a G to A substitution at nucleotide position 3574. The valine at codon 1192 is replaced by isoleucine, an amino acid with highly similar properties. This amino acid position is conserved. In addition, this alteration is predicted to be tolerated by in silico analysis. Based on the available evidence, the clinical significance of this variant remains unclear.

NM_000256.3(MYBPC3):c.3574G>A (p.Val1192Ile)

Gene: MYBPC3 (myosin binding protein C3; minus strand). Cytogenetic location: 11p11.2.
Variant type: single nucleotide variant.
Coding change: c.3574G>A on transcript NM_000256.3 (MANE Select); coding-DNA position 3574, G replaced by A.
Protein change: p.Val1192Ile; replaces valine 1192 with isoleucine.
Molecular consequence: missense variant.
Genome position (GRCh38, 1-based): chr11:47,332,619, C>T on the plus strand (G>A on the coding strand, the complement: MYBPC3 is on the minus strand). VCF-style: chr11-47332619-C-T. GRCh37 (hg19) VCF-style: chr11-47354170-C-T.
Other names: short protein forms V1192I.
Identifiers: ClinVar variation 3915224 (VCV003915224.2).
Genomic context (GRCh38, chr11:47,332,619, plus strand): 5'-TCCCTACCTTGGGGCTACCCCGGACAGCACAGCAGAGCATAGCAGTGTAGCCCGCGATGA[C>T]CGAGCGGTTCACCAGGGGCTGGGTGAAGCTTGGGGCCTCGGAGAAGTCCAGGGCCTTATA-3'
Protein context (NP_000247.2, residues 1182-1202): SFTQPLVNRS[Val1192Ile]IAGYTAMLCC